The following is an entry in ClinVar:

NM_153717.3(EVC):c.1207G>C (p.Gly403Arg)

Gene: EVC (EvC ciliary complex subunit 1; plus strand). Cytogenetic location: 4p16.2.
Variant type: single nucleotide variant.
Coding change: c.1207G>C on transcript NM_153717.3 (MANE Select); coding-DNA position 1207, G replaced by C.
Protein change: p.Gly403Arg; replaces glycine 403 with arginine.
Molecular consequence: missense variant.
Genome position (GRCh38, 1-based): chr4:5,752,944, G>C. VCF-style: chr4-5752944-G-C. GRCh37 (hg19) VCF-style: chr4-5754671-G-C.
Other names: c.1207G>C, p.Gly403Arg (NM_001306090.2, NM_001306092.2); short protein forms G403R.
Identifiers: ClinVar variation 2148351 (VCV002148351.2), dbSNP rs183114391, ClinGen allele CA356153711.

ClinVar aggregate classification (germline): Uncertain significance (1 of 4 stars; one submission).

Conditions:
Ellis-van Creveld syndrome (EVC). Also called: Chondroectodermal dysplasia; EVC-Related Ellis-van Creveld Syndrome; EVC2-Related Ellis-van Creveld Syndrome; MESOECTODERMAL DYSPLASIA. Identifiers: Orphanet 289, MedGen C0013903, MONDO:0009162, OMIM 225500.
Curry-Hall syndrome (WAD). Also called: WEYERS ACRODENTAL DYSOSTOSIS. Identifiers: Orphanet 952, MedGen C0457013, MONDO:0008673, OMIM 193530.

gnomAD v4.1: 10 of 1,614,084 alleles (0.00062%); highest among the groups gnomAD compares: African/African-American, 0.0027%; no homozygotes.

Submission:

Labcorp Genetics (formerly Invitae), Labcorp
Classification: Uncertain significance for Curry-Hall syndrome; Ellis-van Creveld syndrome. Last evaluated: 2023-08-04. Review status: criteria provided, single submitter. Criteria: Invitae Variant Classification Sherloc (09022015). Collection method: clinical testing. Allele origin: germline.
Comment: In summary, the available evidence is currently insufficient to determine the role of this variant in disease. Therefore, it has been classified as a Variant of Uncertain Significance. Advanced modeling of protein sequence and biophysical properties (such as structural, functional, and spatial information, amino acid conservation, physicochemical variation, residue mobility, and thermodynamic stability) performed at Invitae indicates that this missense variant is not expected to disrupt EVC protein function. ClinVar contains an entry for this variant (Variation ID: 2148351). This variant has not been reported in the literature in individuals affected with EVC-related conditions. This variant is present in population databases (no rsID available, gnomAD 0.0009%). This sequence change replaces glycine, which is neutral and non-polar, with arginine, which is basic and polar, at codon 403 of the EVC protein (p.Gly403Arg).